The following is an entry in ClinVar:

ClinVar aggregate classification (germline): Uncertain significance (1 of 4 stars; one submission).

Submission:

Labcorp Genetics (formerly Invitae), Labcorp
Classification: Uncertain significance. Last evaluated: 2024-05-21. Review status: criteria provided, single submitter. Criteria: Invitae Variant Classification Sherloc (09022015). Collection method: clinical testing. Allele origin: germline.
Comment: This sequence change replaces histidine, which is basic and polar, with arginine, which is basic and polar, at codon 512 of the TNFAIP3 protein (p.His512Arg). This variant is not present in population databases (gnomAD no frequency). This variant has not been reported in the literature in individuals affected with TNFAIP3-related conditions. Advanced modeling of protein sequence and biophysical properties (such as structural, functional, and spatial information, amino acid conservation, physicochemical variation, residue mobility, and thermodynamic stability) performed at Invitae indicates that this missense variant is not expected to disrupt TNFAIP3 protein function with a negative predictive value of 80%. In summary, the available evidence is currently insufficient to determine the role of this variant in disease. Therefore, it has been classified as a Variant of Uncertain Significance.

NM_001270508.2(TNFAIP3):c.1535A>G (p.His512Arg)

Gene: TNFAIP3 (TNF alpha induced protein 3; plus strand). Cytogenetic location: 6q23.3.
Variant type: single nucleotide variant.
Coding change: c.1535A>G on transcript NM_001270508.2 (MANE Select); coding-DNA position 1535, A replaced by G.
Protein change: p.His512Arg; replaces histidine 512 with arginine.
Molecular consequence: missense variant.
Genome position (GRCh38, 1-based): chr6:137,878,980, A>G. VCF-style: chr6-137878980-A-G. GRCh37 (hg19) VCF-style: chr6-138200117-A-G.
Other names: c.1535A>G, p.His512Arg (NM_001270507.2, NM_006290.4); short protein forms H512R.
Identifiers: ClinVar variation 3649225 (VCV003649225.2).